The following is an entry in ClinVar:

ClinVar aggregate classification (germline): Uncertain significance (1 of 4 stars; one submission).

Submission:

Women's Health and Genetics/Laboratory Corporation of America, LabCorp
Classification: Uncertain significance. Last evaluated: 2025-01-21. Review status: criteria provided, single submitter. Criteria: LabCorp Variant Classification Summary - May 2015. Collection method: clinical testing. Allele origin: germline.
Comment: Variant summary: CC2D2A c.4384T>A (p.Trp1462Arg) results in a non-conservative amino acid change located in the CEP76 peptidase-like domain (IPR056290) of the encoded protein sequence. Five of five in-silico tools predict a damaging effect of the variant on protein function. The variant was absent in 156332 control chromosomes. The available data on variant occurrences in the general population are insufficient to allow any conclusion about variant significance. An alternate variant resulting in the same amino acid effect (c.4384T>C, p.W1462R) has been reported in the literature in a compound heterozygous fetus affected with Joubert syndrome 9 or Meckel Gruber syndrome 6 (e.g. Diderich_2020). These data do not allow any conclusion about variant significance. To our knowledge, no experimental evidence demonstrating an impact on protein function has been reported. The following publication has been ascertained in the context of this evaluation (PMID: 33249554). ClinVar does not contain an entry for the variant but contains an entry for an alternate variant resulting in the same amino acid effect (c.4384T>C, p.W1462R; Variation ID: 126244). Based on the evidence outlined above, the variant was classified as uncertain significance.

Literature cited by the submitters: PubMed 33249554.

NM_001378615.1(CC2D2A):c.4384T>A (p.Trp1462Arg)

Genes: CC2D2A (coiled-coil and C2 domain containing 2A; plus strand), FBXL5 (F-box and leucine rich repeat protein 5; minus strand). Cytogenetic location: 4p15.32.
Variant type: single nucleotide variant.
Coding change: c.4384T>A on transcript NM_001378615.1 (MANE Select); coding-DNA position 4384, T replaced by A.
Protein change: p.Trp1462Arg; replaces tryptophan 1462 with arginine.
Molecular consequence: missense variant.
Genome position (GRCh38, 1-based): chr4:15,596,154, T>A. VCF-style: chr4-15596154-T-A. GRCh37 (hg19) VCF-style: chr4-15597777-T-A.
Other names: c.4384T>A, p.Trp1462Arg (NM_001080522.2); c.4237T>A, p.Trp1413Arg (NM_001378617.1); short protein forms W1413R, W1462R.
Identifiers: ClinVar variation 3769498 (VCV003769498.2).
Genomic context (GRCh38, chr4:15,596,154, plus strand): 5'-AATATTCAACGATATGAATCTCCACTAAGGATAAATTTTGATGTCACCAGGCCCAAGCTA[T>A]GGAAATCTTTCTTTTCAAGAAGCCTTCCATATCCTGGCCTTTCCAGTGTTCAGGTATAAA-3'
Protein context (NP_001365544.1, residues 1452-1472): INFDVTRPKL[Trp1462Arg]KSFFSRSLPY